The following is an entry in ClinVar:

NM_000435.3(NOTCH3):c.1760G>A (p.Arg587His)

Gene: NOTCH3 (notch receptor 3; minus strand). Cytogenetic location: 19p13.12.
Variant type: single nucleotide variant.
Coding change: c.1760G>A on transcript NM_000435.3 (MANE Select); coding-DNA position 1760, G replaced by A.
Protein change: p.Arg587His; replaces arginine 587 with histidine.
Molecular consequence: missense variant.
Genome position (GRCh38, 1-based): chr19:15,187,185, C>T on the plus strand (G>A on the coding strand, the complement: NOTCH3 is on the minus strand). VCF-style: chr19-15187185-C-T. GRCh37 (hg19) VCF-style: chr19-15297996-C-T.
Other names: short protein forms R587H.
Identifiers: ClinVar variation 328408 (VCV000328408.10), dbSNP rs142787620, ClinGen allele CA9263554.

ClinVar aggregate classification (germline): Benign/Likely benign. Review status: criteria provided, multiple submitters, no conflicts (2 of 4 stars). 4 submissions from 4 submitters: Benign (1); Likely benign (3). Last evaluated 2024-10-07.

Conditions:
NOTCH3-related disorder. Also called: NOTCH3-related disorders; NOTCH3-related condition.
Cerebral arteriopathy, autosomal dominant, with subcortical infarcts and leukoencephalopathy, type 1 (CADASIL1). Also called: CASIL; Cerebral arteriopathy with subcortical infarcts and leukoencephalopathy 1; CADASIL 1; DEMENTIA, HEREDITARY MULTIINFARCT TYPE. Identifiers: Orphanet 136, MedGen C4551768, MONDO:0000914, OMIM 125310.

Allele frequency attached by ClinVar (database versions not stated): ExAC 0.00008; TOPMed 0.00008; gnomAD 0.00013 and 0.00014; ESP Exome Variant Server 0.00015.
gnomAD v4.1: 166 of 1,613,944 alleles (0.01%); highest among the groups gnomAD compares: African/African-American, 0.02%; no homozygotes.

Submissions (4):

PreventionGenetics, part of Exact Sciences
Classification: Likely benign for NOTCH3-related condition. Last evaluated: 2024-10-07. Review status: criteria provided, single submitter. Criteria: ACMG Guidelines, 2015. Collection method: clinical testing. Allele origin: germline.
Comment: This variant is classified as likely benign based on ACMG/AMP sequence variant interpretation guidelines (Richards et al. 2015 PMID: 25741868, with internal and published modifications).

Blueprint Genetics
Classification: Likely benign. Last evaluated: 2023-11-17. Review status: criteria provided, single submitter. Criteria: ACMG Guidelines, 2015. Collection method: clinical testing. Allele origin: germline.

Labcorp Genetics (formerly Invitae), Labcorp
Classification: Benign. Last evaluated: 2023-07-16. Review status: criteria provided, single submitter. Criteria: Invitae Variant Classification Sherloc (09022015). Collection method: clinical testing. Allele origin: germline.

Illumina Laboratory Services, Illumina
Classification: Likely benign for Cerebral arteriopathy, autosomal dominant, with subcortical infarcts and leukoencephalopathy, type 1. Last evaluated: 2018-01-13. Review status: criteria provided, single submitter. Criteria: ICSL Variant Classification Criteria 13 December 2019. Collection method: clinical testing. Allele origin: germline.
Comment: This variant was observed in the ICSL laboratory as part of a predisposition screen in an ostensibly healthy population. It had not been previously curated by ICSL or reported in the Human Gene Mutation Database (HGMD: prior to June 1st, 2018), and was therefore a candidate for classification through an automated scoring system. Utilizing variant allele frequency, disease prevalence and penetrance estimates, and inheritance mode, an automated score was calculated to assess if this variant is too frequent to cause the disease. Based on the score and internal cut-off values, a variant classified as likely benign is not then subjected to further curation. The score for this variant resulted in a classification of likely benign for this disease.